The following is an entry in ClinVar:

NM_001379081.2(FREM1):c.666C>G (p.Ser222Arg)

Gene: FREM1 (FRAS1 related extracellular matrix 1; minus strand). Cytogenetic location: 9p22.3.
Variant type: single nucleotide variant.
Coding change: c.666C>G on transcript NM_001379081.2 (MANE Select); coding-DNA position 666, C replaced by G.
Protein change: p.Ser222Arg; replaces serine 222 with arginine.
Molecular consequence: missense variant. On other transcripts: non-coding transcript variant (4).
Genome position (GRCh38, 1-based): chr9:14,857,715, G>C on the plus strand (C>G on the coding strand, the complement: FREM1 is on the minus strand). VCF-style: chr9-14857715-G-C. GRCh37 (hg19) VCF-style: chr9-14857713-G-C.
Other names: c.693C>G, p.Ser231Arg (NM_001370060.1); c.666C>G, p.Ser222Arg (NM_001370063.1, NM_001370065.1, NM_144966.7); short protein forms S231R, S222R.
Identifiers: ClinVar variation 2256644 (VCV002256644.4), dbSNP rs371407653, ClinGen allele CA4991494.
Genomic context (GRCh38, chr9:14,857,715, plus strand): 5'-CAGCAGGAACTCCTCACAGCTCACTTTGAGGCTTCCTATTTTCTTTAATCCTGGGGTACA[G>C]CTCCCACCTGGACACTTCAGTTTTGCTCTCAGTTCTAGAATGTACAGCACTGGATTAAGA-3'
Protein context (NP_001366010.1, residues 212-232): LRAKLKCPGG[Ser222Arg]CTPGLKKIGS

ClinVar aggregate classification (germline): Uncertain significance. Review status: criteria provided, multiple submitters, no conflicts (2 of 4 stars). 3 submissions from 3 submitters: Uncertain significance (3). Last evaluated 2026-01-13.

Conditions:
Inborn genetic diseases. Identifiers: MedGen C0950123, MeSH D030342.
BNAR syndrome. Also called: Bifid Nose With or Without Anorectal and Renal Anomalies (BNAR) Syndrome. Identifiers: Orphanet 217266, MedGen C2750433, MONDO:0012165, OMIM 608980.
Oculotrichoanal syndrome (MOTA). Also called: MARLES SYNDROME; Manitoba Oculotrichoanal (MOTA) Syndrome. Identifiers: Orphanet 2717, MedGen C1855425, MONDO:0009560, OMIM 248450.
Trigonocephaly 2 (TRIGNO2). Identifiers: Orphanet 3366, MedGen C3280974, MONDO:0013774, OMIM 614485.

Allele frequency attached by ClinVar (database versions not stated): gnomAD exomes 0.00001; 1000 Genomes Project 30x 0.00016; 1000 Genomes Project 0.00020; ESP Exome Variant Server 0.00025; ExAC 0.00005; gnomAD 0.00015.
gnomAD v4.1: 45 of 1,612,030 alleles (0.0028%); highest among the groups gnomAD compares: African/African-American, 0.052%; no homozygotes.

Submissions (3):

Labcorp Genetics (formerly Invitae), Labcorp
Classification: Uncertain significance. Last evaluated: 2026-01-13. Review status: criteria provided, single submitter. Criteria: Invitae Variant Classification Sherloc (09022015). Collection method: clinical testing. Allele origin: germline.
Comment: This sequence change replaces serine, which is neutral and polar, with arginine, which is basic and polar, at codon 222 of the FREM1 protein (p.Ser222Arg). This variant is present in population databases (rs371407653, gnomAD 0.06%). This variant has not been reported in the literature in individuals affected with FREM1-related conditions. ClinVar contains an entry for this variant (Variation ID: 2256644). An algorithm developed to predict the effect of missense changes on protein structure and function outputs the following: PolyPhen-2: "Benign". The arginine amino acid residue is found in multiple mammalian species, which suggests that this missense change does not adversely affect protein function. In summary, the available evidence is currently insufficient to determine the role of this variant in disease. Therefore, it has been classified as a Variant of Uncertain Significance.

Fulgent Genetics
Classification: Uncertain significance for Oculotrichoanal syndrome; BNAR syndrome; Trigonocephaly 2. Last evaluated: 2024-05-20. Review status: criteria provided, single submitter. Criteria: ACMG Guidelines, 2015. Collection method: clinical testing. Allele origin: germline.

Ambry Genetics
Classification: Uncertain significance for Inborn genetic diseases. Last evaluated: 2021-10-22. Review status: criteria provided, single submitter. Criteria: Ambry Variant Classification Scheme 2023. Collection method: clinical testing. Allele origin: germline.